The following is an entry in ClinVar:

NM_000059.4(BRCA2):c.7733G>A (p.Gly2578Glu)

Gene: BRCA2 (BRCA2 DNA repair associated; plus strand). Cytogenetic location: 13q13.1.
Variant type: single nucleotide variant.
Coding change: c.7733G>A on transcript NM_000059.4 (MANE Select); coding-DNA position 7733, G replaced by A.
Protein change: p.Gly2578Glu; replaces glycine 2578 with glutamic acid.
Molecular consequence: missense variant.
Genome position (GRCh38, 1-based): chr13:32,357,857, G>A. VCF-style: chr13-32357857-G-A. GRCh37 (hg19) VCF-style: chr13-32931994-G-A.
Other names: short protein forms G2578E.
Identifiers: ClinVar variation 91491 (VCV000091491.12), dbSNP rs398122590, ClinGen allele CA025249.

ClinVar aggregate classification (germline): Conflicting classifications of pathogenicity. Review status: criteria provided, conflicting classifications (1 of 4 stars). 3 submissions from 3 submitters: Uncertain significance (1); Likely benign (1). 1 of the submissions does not count toward it. Last evaluated 2024-02-22.

Conditions:
Breast-ovarian cancer, familial, susceptibility to, 2 (BROVCA2). Also called: BRCA2 Hereditary Breast and Ovarian Cancer. Identifiers: Orphanet 145, MedGen C2675520, MONDO:0012933, OMIM 612555. Disease mechanism: loss of function.
Hereditary breast ovarian cancer syndrome. Also called: Breast and ovarian cancer; Hereditary breast and ovarian cancer; Hereditary breast and ovarian cancer syndrome; BRCA1- and BRCA2-Associated Hereditary Breast and Ovarian Cancer; Hereditary breast and ovarian cancer syndrome (HBOC); Hereditary breast and/or ovarian cancer syndrome. Identifiers: Orphanet 145, MedGen C0677776, MeSH D061325, MONDO:0003582. Disease mechanism: loss of function.
Hereditary cancer-predisposing syndrome. Also called: Tumor predisposition; Hereditary Cancer Syndrome; Neoplastic Syndromes, Hereditary; Hereditary neoplastic syndrome. Identifiers: Orphanet 140162, MedGen C0027672, MeSH D009386, MONDO:0015356.

Submissions (3):

Labcorp Genetics (formerly Invitae), Labcorp
Classification: Uncertain significance for Hereditary breast ovarian cancer syndrome. Last evaluated: 2024-02-22. Review status: criteria provided, single submitter. Criteria: Invitae Variant Classification Sherloc (09022015). Collection method: clinical testing. Allele origin: germline.
Comment: This sequence change replaces glycine, which is neutral and non-polar, with glutamic acid, which is acidic and polar, at codon 2578 of the BRCA2 protein (p.Gly2578Glu). This variant is not present in population databases (gnomAD no frequency). This variant has not been reported in the literature in individuals affected with BRCA2-related conditions. ClinVar contains an entry for this variant (Variation ID: 91491). Advanced modeling performed at Invitae incorporating data from internal and/or published experimental studies (PMID: 33609447) indicates that this missense variant is not expected to disrupt BRCA2 function with a negative predictive value of 95%. In summary, the available evidence is currently insufficient to determine the role of this variant in disease. Therefore, it has been classified as a Variant of Uncertain Significance.

Ambry Genetics
Classification: Likely benign for Hereditary cancer-predisposing syndrome. Last evaluated: 2020-02-25. Review status: criteria provided, single submitter. Criteria: Ambry Variant Classification Scheme 2023. Collection method: clinical testing. Allele origin: germline.

Sharing Clinical Reports Project (SCRP)
Classification: Uncertain significance for Breast-ovarian cancer, familial 2. Last evaluated: 2008-04-14. Review status: no assertion criteria provided. Collection method: clinical testing. Allele origin: germline. Not counted in ClinVar's aggregate classification.

Literature cited by the submitters: PubMed 33609447 (cited by Labcorp Genetics (formerly Invitae), Labcorp).